The following is an entry in ClinVar:

NM_000169.3(GLA):c.402T>C (p.Tyr134=)

Genes: GLA (galactosidase alpha; minus strand), RPL36A-HNRNPH2 (RPL36A-HNRNPH2 readthrough; plus strand). Cytogenetic location: Xq22.1.
Variant type: single nucleotide variant.
Coding change: c.402T>C on transcript NM_000169.3 (MANE Select); coding-DNA position 402, T replaced by C.
Protein change: p.Tyr134=; no amino-acid change (tyrosine 134 retained).
Molecular consequence: synonymous variant. On other transcripts: non-coding transcript variant (3), intron variant (2).
Genome position (GRCh38, 1-based): chrX:101,401,777, A>G on the plus strand (T>C on the coding strand, the complement: GLA is on the minus strand). VCF-style: chrX-101401777-A-G. GRCh37 (hg19) VCF-style: chrX-100656765-A-G.
Other names: c.525T>C, p.Tyr175= (NM_001406747.1, NM_001406749.1); c.402T>C, p.Tyr134= (NM_001406748.1); c.300+6320A>G (NM_001199973.2); c.177+9955A>G (NM_001199974.2).
Identifiers: ClinVar variation 453316 (VCV000453316.17), dbSNP rs1183869568, ClinGen allele CA517522772.
Genomic context (GRCh38, chrX:101,401,777, plus strand): 5'-AATGTCGTAGTATCCAAAACTCCCAGGGAAGCCTGCGCAGGTTTTATTTCCAACATCTGC[A>G]TAAATCCCTAGCTTCAGTCCTTTGCTGTGAACCTGAAATGAGAGGGAGGAAAAGAGTCAC-3'
Protein context (NP_000160.1, residues 124-144): VHSKGLKLGI[Tyr134=]ADVGNKTCAG

ClinVar aggregate classification (germline): Likely benign. Review status: criteria provided, multiple submitters, no conflicts (2 of 4 stars). 4 submissions from 4 submitters: Likely benign (4). Last evaluated 2026-07-28.

Conditions:
GLA-related disorder. Also called: GLA-related condition.
Cardiovascular phenotype. Identifiers: MedGen CN230736.
Fabry disease. Also called: GLA DEFICIENCY; Fabry's disease; ALPHA-GALACTOSIDASE A DEFICIENCY; ANDERSON-FABRY DISEASE; HEREDITARY DYSTOPIC LIPIDOSIS; CERAMIDE TRIHEXOSIDASE DEFICIENCY. Identifiers: Orphanet 324, MedGen C0002986, MONDO:0010526, OMIM 301500, HP:0001071. Disease mechanism: Fabry disease is due to inactivating mutations in the X-linked GLA gene resulting in deficiency of the enzyme Alpha Galactosidase-A., loss of function.

Allele frequency attached by ClinVar (database versions not stated): gnomAD exomes 0.00001; gnomAD 0.00002; TOPMed 0.00002.
gnomAD v4.1: 10 of 1,209,879 alleles (0.00083%); highest among the groups gnomAD compares: South Asian, 0.0018%; no homozygotes.

Submissions (4):

PreventionGenetics, part of Exact Sciences
Classification: Likely benign for GLA-related condition. Last evaluated: 2026-07-28. Review status: criteria provided, single submitter. Criteria: ACMG Guidelines, 2015. Collection method: clinical testing. Allele origin: germline.
Comment: This variant is classified as likely benign based on ACMG/AMP sequence variant interpretation guidelines (Richards et al. 2015 PMID: 25741868, with internal and published modifications).

Labcorp Genetics (formerly Invitae), Labcorp
Classification: Likely benign for Fabry disease. Last evaluated: 2026-01-06. Review status: criteria provided, single submitter. Criteria: Invitae Variant Classification Sherloc (09022015). Collection method: clinical testing. Allele origin: germline.

Ambry Genetics
Classification: Likely benign for Cardiovascular phenotype. Last evaluated: 2023-01-20. Review status: criteria provided, single submitter. Criteria: Ambry Variant Classification Scheme 2023. Collection method: clinical testing. Allele origin: germline.

Color Diagnostics, LLC DBA Color Health
Classification: Likely benign for Fabry disease. Last evaluated: 2019-10-01. Review status: criteria provided, single submitter. Criteria: ACMG Guidelines, 2015. Collection method: clinical testing. Allele origin: germline.